The following is an entry in ClinVar:

ClinVar aggregate classification (germline): Uncertain significance (1 of 4 stars; one submission).

Submission:

Greenwood Genetic Center Diagnostic Laboratories, Greenwood Genetic Center
Classification: Uncertain significance. Last evaluated: 2025-02-10. Review status: criteria provided, single submitter. Criteria: ACMG Guidelines, 2015. Collection method: clinical testing. Allele origin: germline.
Comment: PM2, BP4, PP2

NM_002971.6(SATB1):c.783G>T (p.Gln261His)

Gene: SATB1 (SATB homeobox 1; minus strand). Cytogenetic location: 3p24.3.
Variant type: single nucleotide variant.
Coding change: c.783G>T on transcript NM_002971.6 (MANE Select); coding-DNA position 783, G replaced by T.
Protein change: p.Gln261His; replaces glutamine 261 with histidine.
Molecular consequence: missense variant.
Genome position (GRCh38, 1-based): chr3:18,394,885, C>A on the plus strand (G>T on the coding strand, the complement: SATB1 is on the minus strand). VCF-style: chr3-18394885-C-A. GRCh37 (hg19) VCF-style: chr3-18436377-C-A.
Other names: c.783G>T, p.Gln261His (NM_001322874.2, NM_001322875.2, NM_001131010.4 and 4 more transcripts); c.567G>T, p.Gln189His (NM_001322876.2); short protein forms Q189H, Q261H.
Identifiers: ClinVar variation 4851668 (VCV004851668.1).
Genomic context (GRCh38, chr3:18,394,885, plus strand): 5'-CTGCTCGGCTGTGTTCCCTGGAACTGGTTGCTGGCCAAAATTGACATGATTGGCGCCTTG[C>A]TGGGATAGCTCAGAAAGACTATCCATTTCAACTAAAGTGGACAAAGAGTAAAATCACATT-3'
Protein context (NP_002962.1, residues 251-271): VEMDSLSELS[Gln261His]QGANHVNFGQ